The following is an entry in ClinVar:

NM_001204.7(BMPR2):c.2384A>G (p.Asn795Ser)

Gene: BMPR2 (bone morphogenetic protein receptor type 2; plus strand). Cytogenetic location: 2q33.2.
Variant type: single nucleotide variant.
Coding change: c.2384A>G on transcript NM_001204.7 (MANE Select); coding-DNA position 2384, A replaced by G.
Protein change: p.Asn795Ser; replaces asparagine 795 with serine.
Molecular consequence: missense variant.
Genome position (GRCh38, 1-based): chr2:202,556,049, A>G. VCF-style: chr2-202556049-A-G. GRCh37 (hg19) VCF-style: chr2-203420772-A-G.
Other names: short protein forms N795S.
Identifiers: ClinVar variation 4598152 (VCV004598152.1).

ClinVar aggregate classification (germline): Uncertain significance (1 of 4 stars; one submission).

Conditions:
Inborn genetic diseases. Identifiers: MedGen C0950123, MeSH D030342.

Submission:

Ambry Genetics
Classification: Uncertain significance for Inborn genetic diseases. Last evaluated: 2025-12-14. Review status: criteria provided, single submitter. Criteria: Ambry Variant Classification Scheme 2023. Collection method: clinical testing. Allele origin: germline.
Comment: The p.N795S variant (also known as c.2384A>G), located in coding exon 12 of the BMPR2 gene, results from an A to G substitution at nucleotide position 2384. The asparagine at codon 795 is replaced by serine, an amino acid with highly similar properties. This amino acid position is conserved. In addition, this alteration is predicted to be tolerated by in silico analysis. Based on the available evidence, the clinical significance of this variant remains unclear.